The following is an entry in ClinVar:

NM_024503.5(HIVEP3):c.7014G>A (p.Pro2338=)

Gene: HIVEP3 (HIVEP zinc finger 3; minus strand). Cytogenetic location: 1p34.2.
Variant type: single nucleotide variant.
Coding change: c.7014G>A on transcript NM_024503.5 (MANE Select); coding-DNA position 7014, G replaced by A.
Protein change: p.Pro2338=; no amino-acid change (proline 2338 retained).
Molecular consequence: synonymous variant.
Genome position (GRCh38, 1-based): chr1:41,510,658, C>T on the plus strand (G>A on the coding strand, the complement: HIVEP3 is on the minus strand). VCF-style: chr1-41510658-C-T. GRCh37 (hg19) VCF-style: chr1-41976329-C-T.
Other names: c.7011G>A, p.Pro2337= (NM_001127714.3).
Identifiers: ClinVar variation 3041313 (VCV003041313.2), dbSNP rs559361161, ClinGen allele CA797021.

ClinVar aggregate classification (germline): Likely benign (0 of 4 stars; one submission).

Conditions:
HIVEP3-related disorder. Also called: HIVEP3-related condition.

Allele frequency attached by ClinVar (database versions not stated): 1000 Genomes Project 30x 0.00031; 1000 Genomes Project 0.00040.
gnomAD v4.1: 990 of 1,527,850 alleles (0.065%); highest among the groups gnomAD compares: Non-Finnish European, 0.081%; 1 homozygote.

Submission:

PreventionGenetics, part of Exact Sciences
Classification: Likely benign for HIVEP3-related condition. Last evaluated: 2019-02-21. Review status: no assertion criteria provided. Collection method: clinical testing. Allele origin: germline.
Comment: This variant is classified as likely benign based on ACMG/AMP sequence variant interpretation guidelines (Richards et al. 2015 PMID: 25741868, with internal and published modifications).